The following is an entry in ClinVar:

NM_198253.3(TERT):c.3140T>C (p.Leu1047Pro)

Gene: TERT (telomerase reverse transcriptase; minus strand). Cytogenetic location: 5p15.33.
Variant type: single nucleotide variant.
Coding change: c.3140T>C on transcript NM_198253.3 (MANE Select); coding-DNA position 3140, T replaced by C.
Protein change: p.Leu1047Pro; replaces leucine 1047 with proline.
Molecular consequence: missense variant. On other transcripts: non-coding transcript variant (2).
Genome position (GRCh38, 1-based): chr5:1,255,304, A>G on the plus strand (T>C on the coding strand, the complement: TERT is on the minus strand). VCF-style: chr5-1255304-A-G. GRCh37 (hg19) VCF-style: chr5-1255419-A-G.
Other names: c.2951T>C, p.Leu984Pro (NM_001193376.3); c.3140T>C (NM_198253.2); short protein forms L1047P, L984P.
Identifiers: ClinVar variation 1015692 (VCV001015692.10), dbSNP rs1747637768, ClinGen allele CA359068048.

ClinVar aggregate classification (germline): Uncertain significance. Review status: criteria provided, multiple submitters, no conflicts (2 of 4 stars). 2 submissions from 2 submitters: Uncertain significance (2). Last evaluated 2025-04-24.

Conditions:
Dyskeratosis congenita, autosomal dominant 2. Identifiers: MedGen C3151443, MONDO:0013521, OMIM 613989.
Idiopathic Pulmonary Fibrosis. Also called: Idiopathic fibrosing alveolitis, chronic form; idiopathic fibrosing alveolitis. Identifiers: Orphanet 2032, MedGen C1800706, MeSH D054990, MONDO:0800504.
Dyskeratosis congenita. Identifiers: Orphanet 1775, MedGen C0265965, MONDO:0015780.

Submissions (2):

Ambry Genetics
Classification: Uncertain significance for Dyskeratosis congenita. Last evaluated: 2025-04-24. Review status: criteria provided, single submitter. Criteria: Ambry Variant Classification Scheme 2023. Collection method: clinical testing. Allele origin: germline.
Comment: The p.L1047P variant (also known as c.3140T>C), located in coding exon 14 of the TERT gene, results from a T to C substitution at nucleotide position 3140. The leucine at codon 1047 is replaced by proline, an amino acid with similar properties. This amino acid position is conserved. In addition, this alteration is predicted to be deleterious by in silico analysis. Based on the available evidence, the clinical significance of this variant remains unclear.

Labcorp Genetics (formerly Invitae), Labcorp
Classification: Uncertain significance for Dyskeratosis congenita, autosomal dominant 2; Idiopathic Pulmonary Fibrosis. Last evaluated: 2020-06-03. Review status: criteria provided, single submitter. Criteria: Invitae Variant Classification Sherloc (09022015). Collection method: clinical testing. Allele origin: germline.
Comment: In summary, the available evidence is currently insufficient to determine the role of this variant in disease. Therefore, it has been classified as a Variant of Uncertain Significance. Algorithms developed to predict the effect of missense changes on protein structure and function are either unavailable or do not agree on the potential impact of this missense change (SIFT: "Deleterious"; PolyPhen-2: "Probably Damaging"; Align-GVGD: "Class C0"). This variant has not been reported in the literature in individuals with TERT-related conditions. This variant is not present in population databases (ExAC no frequency). This sequence change replaces leucine with proline at codon 1047 of the TERT protein (p.Leu1047Pro). The leucine residue is moderately conserved and there is a moderate physicochemical difference between leucine and proline.